The following is an entry in ClinVar:

ClinVar aggregate classification (germline): Uncertain significance. Review status: criteria provided, multiple submitters, no conflicts (2 of 4 stars). 3 submissions from 3 submitters: Uncertain significance (3). Last evaluated 2025-04-28.

Conditions:
Tay-Sachs disease, variant AB. Also called: Gm2-gangliosidosis, ab variant; GM2 Activator Deficiency. Identifiers: Orphanet 309246, MedGen C0268275, MONDO:0010099, OMIM 272750.
Inborn genetic diseases. Identifiers: MedGen C0950123, MeSH D030342.

Allele frequency attached by ClinVar (database versions not stated): gnomAD exomes below 0.00001 and 0.00001; ExAC 0.00001; gnomAD 0.00007; TOPMed 0.00008.
gnomAD v4.1: 15 of 1,613,982 alleles (0.00093%); highest among the groups gnomAD compares: African/African-American, 0.016%; no homozygotes.

Submissions (3):

Labcorp Genetics (formerly Invitae), Labcorp
Classification: Uncertain significance for Tay-Sachs disease, variant AB. Last evaluated: 2025-04-28. Review status: criteria provided, single submitter. Criteria: Invitae Variant Classification Sherloc (09022015). Collection method: clinical testing. Allele origin: germline.
Comment: This sequence change replaces alanine, which is neutral and non-polar, with glycine, which is neutral and non-polar, at codon 188 of the GM2A protein (p.Ala188Gly). This variant is present in population databases (rs761692942, gnomAD 0.02%). This variant has not been reported in the literature in individuals affected with GM2A-related conditions. ClinVar contains an entry for this variant (Variation ID: 907562). An algorithm developed to predict the effect of missense changes on protein structure and function (PolyPhen-2) suggests that this variant is likely to be disruptive. In summary, the available evidence is currently insufficient to determine the role of this variant in disease. Therefore, it has been classified as a Variant of Uncertain Significance.

Ambry Genetics
Classification: Uncertain significance for Inborn genetic diseases. Last evaluated: 2024-01-23. Review status: criteria provided, single submitter. Criteria: Ambry Variant Classification Scheme 2023. Collection method: clinical testing. Allele origin: germline.

Illumina Laboratory Services, Illumina
Classification: Uncertain significance for Tay-Sachs disease, variant AB. Last evaluated: 2018-01-13. Review status: criteria provided, single submitter. Criteria: ICSL Variant Classification Criteria 13 December 2019. Collection method: clinical testing. Allele origin: germline.

NM_000405.5(GM2A):c.563C>G (p.Ala188Gly)

Gene: GM2A (ganglioside GM2 activator; plus strand). Cytogenetic location: 5q33.1.
Variant type: single nucleotide variant.
Coding change: c.563C>G on transcript NM_000405.5 (MANE Select); coding-DNA position 563, C replaced by G.
Protein change: p.Ala188Gly; replaces alanine 188 with glycine.
Molecular consequence: missense variant. On other transcripts: intron variant (1).
Genome position (GRCh38, 1-based): chr5:151,267,432, C>G. VCF-style: chr5-151267432-C-G. GRCh37 (hg19) VCF-style: chr5-150646993-C-G.
Other names: c.413-60C>G (NM_001167607.3); short protein forms A188G.
Identifiers: ClinVar variation 907562 (VCV000907562.8), dbSNP rs761692942, ClinGen allele CA3518001.